The following is an entry in ClinVar:

ClinVar aggregate classification (germline): Uncertain significance (1 of 4 stars; one submission).

gnomAD v4.1: 1 of 1,613,886 alleles (0.000062%); highest among the groups gnomAD compares: Non-Finnish European, 0.000085%; no homozygotes.

Submission:

Labcorp Genetics (formerly Invitae), Labcorp
Classification: Uncertain significance. Last evaluated: 2021-12-09. Review status: criteria provided, single submitter. Criteria: Invitae Variant Classification Sherloc (09022015). Collection method: clinical testing. Allele origin: germline.
Comment: This sequence change replaces glutamine, which is neutral and polar, with histidine, which is basic and polar, at codon 242 of the TBCD protein (p.Gln242His). In summary, the available evidence is currently insufficient to determine the role of this variant in disease. Therefore, it has been classified as a Variant of Uncertain Significance. Algorithms developed to predict the effect of missense changes on protein structure and function output the following: SIFT: "Tolerated"; PolyPhen-2: "Benign"; Align-GVGD: "Class C0". The histidine amino acid residue is found in multiple mammalian species, which suggests that this missense change does not adversely affect protein function. This variant has not been reported in the literature in individuals affected with TBCD-related conditions. This variant is not present in population databases (gnomAD no frequency).

NM_005993.5(TBCD):c.726G>C (p.Gln242His)

Gene: TBCD (tubulin folding cofactor D). Cytogenetic location: 17q25.3.
Variant type: single nucleotide variant.
Coding change: c.726G>C on transcript NM_005993.5 (MANE Select); coding-DNA position 726, G replaced by C.
Protein change: p.Gln242His; replaces glutamine 242 with histidine.
Molecular consequence: missense variant.
Genome position (GRCh38, 1-based): chr17:82,781,676, G>C. VCF-style: chr17-82781676-G-C. GRCh37 (hg19) VCF-style: chr17-80739552-G-C.
Other names: c.675G>C, p.Gln225His (NM_001411101.1); c.726G>C, p.Gln242His (NM_001411102.1); short protein forms Q225H, Q242H.
Identifiers: ClinVar variation 1919906 (VCV001919906.5), dbSNP rs2510688196, ClinGen allele CA401631757.